The following is an entry in ClinVar:

NM_024598.4(USB1):c.418_449+5del

Gene: USB1 (U6 snRNA biogenesis phosphodiesterase 1; plus strand). Cytogenetic location: 16q21.
Variant type: Deletion.
Coding change: c.418_449+5del on transcript NM_024598.4 (MANE Select); coding-DNA position 418 through 5 bases into the intron after coding-DNA position 449, 37 bases deleted.
Molecular consequence: splice donor variant.
Genome position (GRCh38, 1-based): chr16:58,010,081-58,010,117, 37 bases deleted; deleting any 37 consecutive bases within chr16:58,010,079-58,010,117 gives the same sequence; the c. name uses the placement nearest the transcript's 3' end. GRCh37 (hg19): chr16:58,043,985-58,044,021.
Other names: c.265_296+5del (NM_001330568.2); c.418_449+5del (NM_001195302.2, NM_001204911.2, NM_001330569.2).
Identifiers: ClinVar variation 1066183 (VCV001066183.7), dbSNP rs1342824953, ClinGen allele CA623113818.

ClinVar aggregate classification (germline): Likely pathogenic (1 of 4 stars; one submission).

Submission:

Labcorp Genetics (formerly Invitae), Labcorp
Classification: Likely pathogenic. Last evaluated: 2024-06-04. Review status: criteria provided, single submitter. Criteria: Invitae Variant Classification Sherloc (09022015). Collection method: clinical testing. Allele origin: germline.
Comment: This variant results in the deletion of part of exon 3 (c.418_449+5del) of the USB1 gene. It is expected to disrupt RNA splicing. Variants that disrupt the donor or acceptor splice site typically lead to a loss of protein function (PMID: 16199547), and loss-of-function variants in USB1 are known to be pathogenic (PMID: 20817924, 25044170). The frequency data for this variant in the population databases is considered unreliable, as metrics indicate poor data quality at this position in the gnomAD database. This variant has not been reported in the literature in individuals affected with USB1-related conditions. ClinVar contains an entry for this variant (Variation ID: 1066183). In summary, the currently available evidence indicates that the variant is pathogenic, but additional data are needed to prove that conclusively. Therefore, this variant has been classified as Likely Pathogenic.

Literature cited by the submitters: PubMed 16199547; PubMed 20817924; PubMed 25044170.